The following is an entry in ClinVar:

NM_020433.5(JPH2):c.775G>A (p.Asp259Asn)

Gene: JPH2 (junctophilin 2; minus strand). Cytogenetic location: 20q13.12.
Variant type: single nucleotide variant.
Coding change: c.775G>A on transcript NM_020433.5 (MANE Select); coding-DNA position 775, G replaced by A.
Protein change: p.Asp259Asn; replaces aspartic acid 259 with asparagine.
Molecular consequence: missense variant.
Genome position (GRCh38, 1-based): chr20:44,160,012, C>T on the plus strand (G>A on the coding strand, the complement: JPH2 is on the minus strand). VCF-style: chr20-44160012-C-T. GRCh37 (hg19) VCF-style: chr20-42788652-C-T.
Other names: short protein forms D259N.
Identifiers: ClinVar variation 1760489 (VCV001760489.5), dbSNP rs1469514183, ClinGen allele CA409093697.

ClinVar aggregate classification (germline): Uncertain significance. Review status: criteria provided, multiple submitters, no conflicts (2 of 4 stars). 2 submissions from 2 submitters: Uncertain significance (2). Last evaluated 2023-11-04.

Conditions:
Hypertrophic cardiomyopathy. Also called: HYPERTROPHIC MYOCARDIOPATHY. Identifiers: Orphanet 217569, MedGen C0007194, MeSH D002312, MONDO:0005045, HP:0001639.
Cardiovascular phenotype. Identifiers: MedGen CN230736.

Allele frequency attached by ClinVar (database versions not stated): gnomAD exomes below 0.00001; gnomAD 0.00001.

Submissions (2):

Labcorp Genetics (formerly Invitae), Labcorp
Classification: Uncertain significance for Hypertrophic cardiomyopathy. Last evaluated: 2023-11-04. Review status: criteria provided, single submitter. Criteria: Invitae Variant Classification Sherloc (09022015). Collection method: clinical testing. Allele origin: germline.
Comment: This sequence change replaces aspartic acid, which is acidic and polar, with asparagine, which is neutral and polar, at codon 259 of the JPH2 protein (p.Asp259Asn). This variant is present in population databases (no rsID available, gnomAD 0.001%). This variant has not been reported in the literature in individuals affected with JPH2-related conditions. ClinVar contains an entry for this variant (Variation ID: 1760489). An algorithm developed to predict the effect of missense changes on protein structure and function (PolyPhen-2) suggests that this variant is likely to be disruptive. In summary, the available evidence is currently insufficient to determine the role of this variant in disease. Therefore, it has been classified as a Variant of Uncertain Significance.

Ambry Genetics
Classification: Uncertain significance for Cardiovascular phenotype. Last evaluated: 2022-08-17. Review status: criteria provided, single submitter. Criteria: Ambry Variant Classification Scheme 2023. Collection method: clinical testing. Allele origin: germline.
Comment: The p.D259N variant (also known as c.775G>A), located in coding exon 2 of the JPH2 gene, results from a G to A substitution at nucleotide position 775. The aspartic acid at codon 259 is replaced by asparagine, an amino acid with highly similar properties. This amino acid position is conserved. In addition, this alteration is predicted to be tolerated by in silico analysis. Since supporting evidence is limited at this time, the clinical significance of this alteration remains unclear.